The following is an entry in ClinVar:

ClinVar aggregate classification (germline): Conflicting classifications of pathogenicity. Review status: criteria provided, conflicting classifications (1 of 4 stars). 2 submissions from 2 submitters: Uncertain significance (1); Likely benign (1). Last evaluated 2026-04-13.

Conditions:
Inborn genetic diseases. Identifiers: MedGen C0950123, MeSH D030342.
RELT-related disorder. Also called: RELT-related condition.

Allele frequency attached by ClinVar (database versions not stated): 1000 Genomes Project 30x 0.00016; 1000 Genomes Project 0.00020; ExAC 0.00139; gnomAD 0.00155; TOPMed 0.00182; ESP Exome Variant Server 0.00193; gnomAD exomes 0.00230.

Submissions (2):

PreventionGenetics, part of Exact Sciences
Classification: Likely benign for RELT-related condition. Last evaluated: 2026-04-13. Review status: criteria provided, single submitter. Criteria: ACMG Guidelines, 2015. Collection method: clinical testing. Allele origin: germline.
Comment: This variant is classified as likely benign based on ACMG/AMP sequence variant interpretation guidelines (Richards et al. 2015 PMID: 25741868, with internal and published modifications).

Ambry Genetics
Classification: Uncertain significance for Inborn genetic diseases. Last evaluated: 2023-05-23. Review status: criteria provided, single submitter. Criteria: Ambry Variant Classification Scheme 2023. Collection method: clinical testing. Allele origin: germline.

NM_152222.2(RELT):c.800C>T (p.Ala267Val)

Gene: RELT (RELT TNF receptor; plus strand). Cytogenetic location: 11q13.4.
Variant type: single nucleotide variant.
Coding change: c.800C>T on transcript NM_152222.2 (MANE Select); coding-DNA position 800, C replaced by T.
Protein change: p.Ala267Val; replaces alanine 267 with valine.
Molecular consequence: missense variant.
Genome position (GRCh38, 1-based): chr11:73,394,488, C>T. VCF-style: chr11-73394488-C-T. GRCh37 (hg19) VCF-style: chr11-73105533-C-T.
Other names: c.800C>T, p.Ala267Val (NM_032871.4); c.800C>T (NM_152222.1); short protein forms A267V.
Identifiers: ClinVar variation 2520743 (VCV002520743.3), dbSNP rs148007314, ClinGen allele CA6178792.